The following is an entry in ClinVar:

ClinVar aggregate classification (germline): Uncertain significance (1 of 4 stars; one submission).

Conditions:
Ullrich congenital muscular dystrophy 2 (UCMD2). Identifiers: Orphanet 75840, MedGen C4225314, MONDO:0014654, OMIM 616470.
Bethlem myopathy 2 (BTHLM2). Identifiers: Orphanet 536516, Orphanet 610, MedGen C4225313, MONDO:0034022, OMIM 616471.

Allele frequency attached by ClinVar (database versions not stated): gnomAD 0.00001; gnomAD exomes below 0.00001; TOPMed 0.00001.
gnomAD v4.1: 3 of 1,613,136 alleles (0.00019%); highest among the groups gnomAD compares: African/African-American, 0.0013%; no homozygotes.

Submission:

Labcorp Genetics (formerly Invitae), Labcorp
Classification: Uncertain significance for Bethlem myopathy 2; Ullrich congenital muscular dystrophy 2. Last evaluated: 2025-07-13. Review status: criteria provided, single submitter. Criteria: Invitae Variant Classification Sherloc (09022015). Collection method: clinical testing. Allele origin: germline.
Comment: This sequence change replaces glycine, which is neutral and non-polar, with glutamic acid, which is acidic and polar, at codon 1189 of the COL12A1 protein (p.Gly1189Glu). This variant is present in population databases (no rsID available, gnomAD 0.0009%). This variant has not been reported in the literature in individuals affected with COL12A1-related conditions. ClinVar contains an entry for this variant (Variation ID: 852982). An algorithm developed to predict the effect of missense changes on protein structure and function (PolyPhen-2) suggests that this variant is likely to be disruptive. In summary, the available evidence is currently insufficient to determine the role of this variant in disease. Therefore, it has been classified as a Variant of Uncertain Significance.

NM_004370.6(COL12A1):c.3566G>A (p.Gly1189Glu)

Gene: COL12A1 (collagen type XII alpha 1 chain; minus strand). Cytogenetic location: 6q13.
Variant type: single nucleotide variant.
Coding change: c.3566G>A on transcript NM_004370.6 (MANE Select); coding-DNA position 3566, G replaced by A.
Protein change: p.Gly1189Glu; replaces glycine 1189 with glutamic acid.
Molecular consequence: missense variant.
Genome position (GRCh38, 1-based): chr6:75,152,482, C>T on the plus strand (G>A on the coding strand, the complement: COL12A1 is on the minus strand). VCF-style: chr6-75152482-C-T. GRCh37 (hg19) VCF-style: chr6-75862198-C-T.
Other names: c.74G>A, p.Gly25Glu (NM_080645.3); short protein forms G25E, G1189E.
Identifiers: ClinVar variation 852982 (VCV000852982.10), dbSNP rs990441297, ClinGen allele CA141005189.